The following is an entry in ClinVar:

NM_001039591.3(USP9X):c.3176C>G (p.Ala1059Gly)

Gene: USP9X (ubiquitin specific peptidase 9 X-linked; plus strand). Cytogenetic location: Xp11.4.
Variant type: single nucleotide variant.
Coding change: c.3176C>G on transcript NM_001039591.3 (MANE Select); coding-DNA position 3176, C replaced by G.
Protein change: p.Ala1059Gly; replaces alanine 1059 with glycine.
Molecular consequence: missense variant.
Genome position (GRCh38, 1-based): chrX:41,184,025, C>G. VCF-style: chrX-41184025-C-G. GRCh37 (hg19) VCF-style: chrX-41043278-C-G.
Other names: c.3176C>G, p.Ala1059Gly (NM_001039590.3); c.3191C>G, p.Ala1064Gly (NM_001410748.1, NM_001410749.1); c.3176C>G (NM_001039590.2); short protein forms A1059G, A1064G.
Identifiers: ClinVar variation 3012560 (VCV003012560.4), dbSNP rs759926021, ClinGen allele CA412763892.

ClinVar aggregate classification (germline): Uncertain significance. Review status: criteria provided, multiple submitters, no conflicts (2 of 4 stars). 2 submissions from 2 submitters: Uncertain significance (2). Last evaluated 2025-01-31.

Submissions (2):

GeneDx
Classification: Uncertain significance. Last evaluated: 2025-01-31. Review status: criteria provided, single submitter. Criteria: GeneDx Variant Classification Process June 2021. Collection method: clinical testing. Allele origin: germline. Affected: yes.
Comment: Not observed at significant frequency in large population cohorts (gnomAD); In silico analysis indicates that this missense variant does not alter protein structure/function; Has not been previously published as pathogenic or benign to our knowledge

Labcorp Genetics (formerly Invitae), Labcorp
Classification: Uncertain significance. Last evaluated: 2022-11-24. Review status: criteria provided, single submitter. Criteria: Invitae Variant Classification Sherloc (09022015). Collection method: clinical testing. Allele origin: germline.
Comment: In summary, the available evidence is currently insufficient to determine the role of this variant in disease. Therefore, it has been classified as a Variant of Uncertain Significance. Algorithms developed to predict the effect of missense changes on protein structure and function are either unavailable or do not agree on the potential impact of this missense change (SIFT: "Tolerated"; PolyPhen-2: "Possibly Damaging"; Align-GVGD: "Class C0"). This variant has not been reported in the literature in individuals affected with USP9X-related conditions. This variant is not present in population databases (gnomAD no frequency). This sequence change replaces alanine, which is neutral and non-polar, with glycine, which is neutral and non-polar, at codon 1059 of the USP9X protein (p.Ala1059Gly).